The following is an entry in ClinVar:

NM_002049.4(GATA1):c.1173G>A (p.Thr391=)

Gene: GATA1 (GATA binding protein 1; plus strand). Cytogenetic location: Xp11.23.
Variant type: single nucleotide variant.
Coding change: c.1173G>A on transcript NM_002049.4 (MANE Select); coding-DNA position 1173, G replaced by A.
Protein change: p.Thr391=; no amino-acid change (threonine 391 retained).
Molecular consequence: synonymous variant.
Genome position (GRCh38, 1-based): chrX:48,794,095, G>A. VCF-style: chrX-48794095-G-A. GRCh37 (hg19) VCF-style: chrX-48652502-G-A.
Other names: p.Thr391=.
Identifiers: ClinVar variation 258541 (VCV000258541.20), dbSNP rs61735969, ClinGen allele CA10404709.

ClinVar aggregate classification (germline): Benign/Likely benign. Review status: criteria provided, multiple submitters, no conflicts (2 of 4 stars). 5 submissions from 5 submitters: Benign (2); Likely benign (3). Last evaluated 2026-02-01.

Conditions:
GATA binding protein 1 related thrombocytopenia with dyserythropoiesis. Also called: GATA1-Related Cytopenia; GATA1-Related X-Linked Cytopenia. Identifiers: MedGen C1845837, MONDO:0100089.
Diamond-Blackfan anemia. Also called: Blackfan Diamond syndrome; Aregenerative anemia chronic congenital; Red cell aplasia, pure hereditary; Congenital hypoplastic anemia; Aase syndrome. Identifiers: Orphanet 124, MedGen C1260899, MeSH D029503, MONDO:0015253, HP:0004810.

Allele frequency attached by ClinVar (database versions not stated): gnomAD exomes 0.00073; ExAC 0.00091; 1000 Genomes Project 30x 0.00146; 1000 Genomes Project 0.00159; gnomAD 0.00238 and 0.00256; ESP Exome Variant Server 0.00256; TOPMed 0.00280.
gnomAD v4.1: 569 of 1,197,294 alleles (0.048%); highest among the groups gnomAD compares: African/African-American, 0.89%; no homozygotes.

Submissions (5):

Labcorp Genetics (formerly Invitae), Labcorp
Classification: Benign for GATA binding protein 1 related thrombocytopenia with dyserythropoiesis; Diamond-Blackfan anemia. Last evaluated: 2026-02-01. Review status: criteria provided, single submitter. Criteria: Invitae Variant Classification Sherloc (09022015). Collection method: clinical testing. Allele origin: germline.

Mayo Clinic Laboratories, Mayo Clinic
Classification: Benign. Last evaluated: 2025-01-27. Review status: criteria provided, single submitter. Criteria: ACMG Guidelines, 2015. Collection method: clinical testing. Allele origin: germline. Observed: 6 variant alleles.
Comment: BS1, BS2, BP4, BP7

Blueprint Genetics
Classification: Likely benign. Last evaluated: 2024-10-24. Review status: criteria provided, single submitter. Criteria: ACMG Guidelines, 2015. Collection method: clinical testing. Allele origin: germline.

Genetic Services Laboratory, University of Chicago
Classification: Likely benign. Last evaluated: 2017-05-25. Review status: criteria provided, single submitter. Criteria: ACMG Guidelines, 2015. Collection method: clinical testing. Allele origin: germline. Affected: no.

PreventionGenetics, part of Exact Sciences
Classification: Likely benign. Review status: criteria provided, single submitter. Criteria: ACMG Guidelines, 2015. Collection method: clinical testing. Allele origin: germline.